The following is an entry in ClinVar:

NM_003722.5(TP63):c.1768C>T (p.Pro590Ser)

Gene: TP63 (tumor protein p63; plus strand). Cytogenetic location: 3q28.
Variant type: single nucleotide variant.
Coding change: c.1768C>T on transcript NM_003722.5 (MANE Select); coding-DNA position 1768, C replaced by T.
Protein change: p.Pro590Ser; replaces proline 590 with serine.
Molecular consequence: missense variant. On other transcripts: 3 prime UTR variant (2).
Genome position (GRCh38, 1-based): chr3:189,894,227, C>T. VCF-style: chr3-189894227-C-T. GRCh37 (hg19) VCF-style: chr3-189612016-C-T.
Other names: c.*6C>T (NM_001114978.2, NM_001114981.2); c.1486C>T, p.Pro496Ser (NM_001114980.2); c.1529C>T, p.Pro510Leu (NM_001329144.2); c.1247C>T, p.Pro416Leu (NM_001329145.2); c.1231C>T, p.Pro411Ser (NM_001329146.2); c.1756C>T, p.Pro586Ser (NM_001329148.2); c.1235C>T, p.Pro412Leu (NM_001329149.2); c.980C>T, p.Pro327Leu (NM_001329150.2); and 1 more; short protein forms P327L, P412L, P510L, P588S, P416L, P590S, P411S, P496S.
Identifiers: ClinVar variation 2087371 (VCV002087371.3), dbSNP rs1560310917, ClinGen allele CA355751158.
Genomic context (GRCh38, chr3:189,894,227, plus strand): 5'-CTGTTTTCATTCTCCATGACACCTTCCCCTGTTGCACAGGATCTGGCAAGTCTGAAAATC[C>T]CTGAGCAATTTCGACATGCGATCTGGAAGGGCATCCTGGACCACCGGCAGCTCCACGAAT-3'
Protein context (NP_003713.3, residues 580-600): SMDDLASLKI[Pro590Ser]EQFRHAIWKG

ClinVar aggregate classification (germline): Likely pathogenic (1 of 4 stars; one submission).

Conditions:
TP63-Related Spectrum Disorders.

Submission:

Labcorp Genetics (formerly Invitae), Labcorp
Classification: Likely pathogenic. Last evaluated: 2022-11-29. Review status: criteria provided, single submitter. Criteria: Invitae Variant Classification Sherloc (09022015). Collection method: clinical testing. Allele origin: germline.
Comment: In summary, the currently available evidence indicates that the variant is pathogenic, but additional data are needed to prove that conclusively. Therefore, this variant has been classified as Likely Pathogenic. This variant disrupts the p.Pro590 amino acid residue in TP63. Other variant(s) that disrupt this residue have been determined to be pathogenic (PMID: 19676060, 31050217; Invitae). This suggests that this residue is clinically significant, and that variants that disrupt this residue are likely to be disease-causing. Advanced modeling of protein sequence and biophysical properties (such as structural, functional, and spatial information, amino acid conservation, physicochemical variation, residue mobility, and thermodynamic stability) performed at Invitae indicates that this missense variant is expected to disrupt TP63 protein function. This variant has not been reported in the literature in individuals affected with TP63-related conditions. This variant is not present in population databases (gnomAD no frequency). This sequence change replaces proline, which is neutral and non-polar, with serine, which is neutral and polar, at codon 590 of the TP63 protein (p.Pro590Ser).

Literature cited by the submitters: PubMed 19676060; PubMed 31050217.